The following is an entry in ClinVar:

NM_001009999.3(KDM1A):c.17A>C (p.Lys6Thr)

Gene: KDM1A (lysine demethylase 1A; plus strand). Cytogenetic location: 1p36.12.
Variant type: single nucleotide variant.
Coding change: c.17A>C on transcript NM_001009999.3 (MANE Select); coding-DNA position 17, A replaced by C.
Protein change: p.Lys6Thr; replaces lysine 6 with threonine.
Molecular consequence: missense variant.
Genome position (GRCh38, 1-based): chr1:23,019,613, A>C. VCF-style: chr1-23019613-A-C. GRCh37 (hg19) VCF-style: chr1-23346106-A-C.
Other names: c.17A>C, p.Lys6Thr (NM_001363654.2, NM_001410762.1, NM_001410763.1 and 1 more transcripts); short protein forms K6T.
Identifiers: ClinVar variation 4622709 (VCV004622709.1).
Genomic context (GRCh38, chr1:23,019,613, plus strand): 5'-AGAGCGAGCGGCCCCTACGGCCGTCGGCGGCCCGGCGGCCCGAGATGTTATCTGGGAAGA[A>C]GGCGGCAGCCGCGGCGGCGGCGGCTGCAGCGGCAGCAACCGGGACGGAGGCTGGCCCTGG-3'
Protein context (NP_001009999.1, residues 1-16): MLSGK[Lys6Thr]AAAAAAAAAA

ClinVar aggregate classification (germline): Uncertain significance (1 of 4 stars; one submission).

Conditions:
Inborn genetic diseases. Identifiers: MedGen C0950123, MeSH D030342.

Submission:

Ambry Genetics
Classification: Uncertain significance for Inborn genetic diseases. Last evaluated: 2025-11-13. Review status: criteria provided, single submitter. Criteria: Ambry Variant Classification Scheme 2023. Collection method: clinical testing. Allele origin: germline.
Comment: The p.K6T variant (also known as c.17A>C), located in coding exon 1 of the KDM1A gene, results from an A to C substitution at nucleotide position 17. The lysine at codon 6 is replaced by threonine, an amino acid with similar properties. This amino acid position is conserved. In addition, this alteration is predicted to be tolerated by in silico analysis. Based on the available evidence, the clinical significance of this variant remains unclear.